The following is an entry in ClinVar:

NM_004239.4(TRIP11):c.2357A>T (p.Asp786Val)

Gene: TRIP11 (thyroid hormone receptor interactor 11; minus strand). Cytogenetic location: 14q32.12.
Variant type: single nucleotide variant.
Coding change: c.2357A>T on transcript NM_004239.4 (MANE Select); coding-DNA position 2357, A replaced by T.
Protein change: p.Asp786Val; replaces aspartic acid 786 with valine.
Molecular consequence: missense variant.
Genome position (GRCh38, 1-based): chr14:92,005,619, T>A on the plus strand (A>T on the coding strand, the complement: TRIP11 is on the minus strand). VCF-style: chr14-92005619-T-A. GRCh37 (hg19) VCF-style: chr14-92471963-T-A.
Other names: c.2354A>T, p.Asp785Val (NM_001321851.1); short protein forms D786V, D785V.
Identifiers: ClinVar variation 4708053 (VCV004708053.1).

ClinVar aggregate classification (germline): Uncertain significance (1 of 4 stars; one submission).

Conditions:
Achondrogenesis, type IA (ACG1A). Identifiers: Orphanet 932, Orphanet 93299, MedGen C0265273, MONDO:0008701, OMIM 200600.

Submission:

Labcorp Genetics (formerly Invitae), Labcorp
Classification: Uncertain significance for Achondrogenesis, type IA. Last evaluated: 2025-11-03. Review status: criteria provided, single submitter. Criteria: Invitae Variant Classification Sherloc (09022015). Collection method: clinical testing. Allele origin: germline.
Comment: This sequence change replaces aspartic acid, which is acidic and polar, with valine, which is neutral and non-polar, at codon 786 of the TRIP11 protein (p.Asp786Val). This variant is not present in population databases (gnomAD no frequency). This variant has not been reported in the literature in individuals affected with TRIP11-related conditions. Invitae Evidence Modeling of protein sequence and biophysical properties (such as structural, functional, and spatial information, amino acid conservation, physicochemical variation, residue mobility, and thermodynamic stability) indicates that this missense variant is not expected to disrupt TRIP11 protein function with a negative predictive value of 80%. In summary, the available evidence is currently insufficient to determine the role of this variant in disease. Therefore, it has been classified as a Variant of Uncertain Significance.